The following is an entry in ClinVar:

NM_001360.3(DHCR7):c.15G>A (p.Ser5=)

Gene: DHCR7 (7-dehydrocholesterol reductase; minus strand). Cytogenetic location: 11q13.4.
Variant type: single nucleotide variant.
Coding change: c.15G>A on transcript NM_001360.3 (MANE Select); coding-DNA position 15, G replaced by A.
Protein change: p.Ser5=; no amino-acid change (serine 5 retained).
Molecular consequence: synonymous variant.
Genome position (GRCh38, 1-based): chr11:71,444,938, C>T on the plus strand (G>A on the coding strand, the complement: DHCR7 is on the minus strand). VCF-style: chr11-71444938-C-T. GRCh37 (hg19) VCF-style: chr11-71155984-C-T.
Other names: c.15G>A, p.Ser5= (NM_001163817.2).
Identifiers: ClinVar variation 594984 (VCV000594984.29), dbSNP rs147038941, ClinGen allele CA6162731.

ClinVar aggregate classification (germline): Conflicting classifications of pathogenicity. Review status: criteria provided, conflicting classifications (1 of 4 stars). 7 submissions from 7 submitters: Uncertain significance (1); Likely benign (5). 1 of the submissions does not count toward it. Last evaluated 2026-01-21.

Conditions:
Inborn genetic diseases. Identifiers: MedGen C0950123, MeSH D030342.
DHCR7-related disorder. Also called: DHCR7-related condition.
Smith-Lemli-Opitz syndrome (SLOS). Also called: 7-Dehydrocholesterol reductase deficiency; LETHAL ACRODYSGENITAL SYNDROME; POLYDACTYLY, SEX REVERSAL, RENAL HYPOPLASIA, AND UNILOBAR LUNG; RSH SYNDROME; RUTLEDGE LETHAL MULTIPLE CONGENITAL ANOMALY SYNDROME. Identifiers: Orphanet 818, MedGen C0175694, MONDO:0010035, OMIM 270400.

Allele frequency attached by ClinVar (database versions not stated): ExAC 0.00006; ESP Exome Variant Server 0.00008; gnomAD 0.00008 and 0.00009; gnomAD exomes 0.00008; TOPMed 0.00010.
gnomAD v4.1: 132 of 1,614,042 alleles (0.0082%); highest among the groups gnomAD compares: Middle Eastern, 0.016%; no homozygotes.

Submissions (7):

Labcorp Genetics (formerly Invitae), Labcorp
Classification: Likely benign for Smith-Lemli-Opitz syndrome. Last evaluated: 2026-01-21. Review status: criteria provided, single submitter. Criteria: Invitae Variant Classification Sherloc (09022015). Collection method: clinical testing. Allele origin: germline.

CeGaT Center for Human Genetics Tuebingen
Classification: Likely benign. Last evaluated: 2025-07-01. Review status: criteria provided, single submitter. Criteria: CeGaT Center For Human Genetics Tuebingen Variant Classification Criteria Version 2. Collection method: clinical testing. Allele origin: germline. Affected: yes. Observed: 1 variant allele.
Comment: DHCR7: BP4, BP7

PreventionGenetics, part of Exact Sciences
Classification: Likely benign for DHCR7-related condition. Last evaluated: 2025-01-18. Review status: criteria provided, single submitter. Criteria: ACMG Guidelines, 2015. Collection method: clinical testing. Allele origin: germline.
Comment: This variant is classified as likely benign based on ACMG/AMP sequence variant interpretation guidelines (Richards et al. 2015 PMID: 25741868, with internal and published modifications).

Genome-Nilou Lab
Classification: Likely benign for Smith-Lemli-Opitz syndrome. Last evaluated: 2021-07-14. Review status: criteria provided, single submitter. Criteria: ACMG Guidelines, 2015. Collection method: clinical testing. Allele origin: germline. Affected: no.

Eurofins Ntd Llc (ga)
Classification: Uncertain significance. Last evaluated: 2017-11-10. Review status: criteria provided, single submitter. Criteria: EGL Classification Definitions 2015. Collection method: clinical testing. Allele origin: germline. Observed: 1 variant allele, 1 heterozygote.

Ambry Genetics
Classification: Likely benign for Inborn genetic diseases. Last evaluated: 2017-05-31. Review status: criteria provided, single submitter. Criteria: Ambry Variant Classification Scheme 2023. Collection method: clinical testing. Allele origin: germline.

Natera, Inc.
Classification: Likely benign for Smith-Lemli-Opitz syndrome. Last evaluated: 2020-09-16. Review status: no assertion criteria provided. Collection method: clinical testing. Allele origin: germline. Not counted in ClinVar's aggregate classification.